The following is an entry in ClinVar:

ClinVar aggregate classification (germline): Likely benign. Review status: criteria provided, multiple submitters, no conflicts (2 of 4 stars). 4 submissions from 4 submitters: Likely benign (3). 1 of the submissions does not count toward it. Last evaluated 2025-07-30.

Conditions:
TUBA1A-related disorder. Also called: TUBA1A-related condition.

gnomAD v4.1: 16 of 1,614,224 alleles (0.00099%); highest among the groups gnomAD compares: Admixed American, 0.0067%; no homozygotes.

Submissions (4):

Labcorp Genetics (formerly Invitae), Labcorp
Classification: Likely benign. Last evaluated: 2025-07-30. Review status: criteria provided, single submitter. Criteria: Invitae Variant Classification Sherloc (09022015). Collection method: clinical testing. Allele origin: germline.

Blueprint Genetics
Classification: Likely benign. Last evaluated: 2024-10-01. Review status: criteria provided, single submitter. Criteria: ACMG Guidelines, 2015. Collection method: clinical testing. Allele origin: germline.

GeneDx
Classification: Likely benign. Last evaluated: 2016-07-28. Review status: criteria provided, single submitter. Criteria: GeneDx Variant Classification (06012015). Collection method: clinical testing. Allele origin: germline. Affected: yes.
Comment: This variant is considered likely benign or benign based on one or more of the following criteria: it is a conservative change, it occurs at a poorly conserved position in the protein, it is predicted to be benign by multiple in silico algorithms, and/or has population frequency not consistent with disease.

PreventionGenetics, part of Exact Sciences
Classification: Likely benign for TUBA1A-related condition. Last evaluated: 2024-01-21. Review status: no assertion criteria provided. Collection method: clinical testing. Allele origin: germline. Not counted in ClinVar's aggregate classification.
Comment: This variant is classified as likely benign based on ACMG/AMP sequence variant interpretation guidelines (Richards et al. 2015 PMID: 25741868, with internal and published modifications).

NM_006009.4(TUBA1A):c.1230G>T (p.Gly410=)

Gene: TUBA1A (tubulin alpha 1a; minus strand). Cytogenetic location: 12q13.12.
Variant type: single nucleotide variant.
Coding change: c.1230G>T on transcript NM_006009.4 (MANE Select); coding-DNA position 1230, G replaced by T.
Protein change: p.Gly410=; no amino-acid change (glycine 410 retained).
Molecular consequence: synonymous variant.
Genome position (GRCh38, 1-based): chr12:49,185,136, C>A on the plus strand (G>T on the coding strand, the complement: TUBA1A is on the minus strand). VCF-style: chr12-49185136-C-A. GRCh37 (hg19) VCF-style: chr12-49578919-C-A.
Other names: c.1230G>T, p.Gly410= (NM_001270399.2); c.1125G>T, p.Gly375= (NM_001270400.2); c.1230G>T (NM_006009.3).
Identifiers: ClinVar variation 379050 (VCV000379050.8), dbSNP rs772809398, ClinGen allele CA6550205.